The following is an entry in ClinVar:

NM_177438.3(DICER1):c.1363G>A (p.Val455Ile)

Gene: DICER1 (dicer 1, ribonuclease III; minus strand). Cytogenetic location: 14q32.13.
Variant type: single nucleotide variant.
Coding change: c.1363G>A on transcript NM_177438.3 (MANE Select); coding-DNA position 1363, G replaced by A.
Protein change: p.Val455Ile; replaces valine 455 with isoleucine.
Molecular consequence: missense variant. On other transcripts: 5 prime UTR variant (1), non-coding transcript variant (6).
Genome position (GRCh38, 1-based): chr14:95,124,209, C>T on the plus strand (G>A on the coding strand, the complement: DICER1 is on the minus strand). VCF-style: chr14-95124209-C-T. GRCh37 (hg19) VCF-style: chr14-95590546-C-T.
Other names: c.1363G>A, p.Val455Ile (NM_001195573.1, NM_001271282.3, NM_001291628.2 and 15 more transcripts); c.1081G>A, p.Val361Ile (NM_001395686.1); c.958G>A, p.Val320Ile (NM_001395687.1, NM_001395688.1, NM_001395689.1 and 3 more transcripts); c.796G>A, p.Val266Ile (NM_001395691.1); c.-206G>A (NM_001395697.1); short protein forms V320I, V361I, V266I, V455I.
Identifiers: ClinVar variation 2586392 (VCV002586392.2), dbSNP rs2140200628, ClinGen allele CA390886136.
Genomic context (GRCh38, chr14:95,124,209, plus strand): 5'-GGACGCCTCCCTGTTCTCATGTGAAAGGAGTCAACTTACAGATTTACCTGTTTAAGACAA[C>T]TGCTGTGTATCTTCTTTCCACAAAAATAATTCCGCACAAAATGTTGGTAAAAGGAGAAGG-3'
Protein context (NP_803187.1, residues 445-465): IIFVERRYTA[Val455Ile]VLNRLIKEAG

ClinVar aggregate classification (germline): Uncertain significance (1 of 4 stars; one submission).

Conditions:
Hereditary cancer-predisposing syndrome. Also called: Hereditary neoplastic syndrome; Tumor predisposition; Hereditary Cancer Syndrome; Neoplastic Syndromes, Hereditary. Identifiers: Orphanet 140162, MedGen C0027672, MeSH D009386, MONDO:0015356.

Allele frequency attached by ClinVar (database versions not stated): gnomAD exomes below 0.00001.
gnomAD v4.1: 1 of 1,613,284 alleles (0.000062%); highest among the groups gnomAD compares: East Asian, 0.0022%; no homozygotes.

Submission:

Ambry Genetics
Classification: Uncertain significance for Hereditary cancer-predisposing syndrome. Last evaluated: 2023-06-21. Review status: criteria provided, single submitter. Criteria: Ambry Variant Classification Scheme 2023. Collection method: clinical testing. Allele origin: germline.
Comment: The p.V455I variant (also known as c.1363G>A), located in coding exon 7 of the DICER1 gene, results from a G to A substitution at nucleotide position 1363. The valine at codon 455 is replaced by isoleucine, an amino acid with highly similar properties. This amino acid position is conserved. In addition, this alteration is predicted to be tolerated by in silico analysis. Since supporting evidence is limited at this time, the clinical significance of this alteration remains unclear.